The following is an entry in ClinVar:

ClinVar aggregate classification (germline): Uncertain significance. Review status: criteria provided, multiple submitters, no conflicts (2 of 4 stars). 8 submissions from 7 submitters: Uncertain significance (7). 1 of the submissions does not count toward it. Last evaluated 2026-01-12.

Conditions:
Retinitis pigmentosa (RP). Identifiers: Orphanet 791, MedGen C0035334, MeSH D012174, MONDO:0019200, OMIM 268000. Inheritance: Autosomal dominant, autosomal recessive and X linked inheritance.
Retinal dystrophy. Also called: Inherited retinal dystrophy. Identifiers: Orphanet 71862, MedGen C0854723, MeSH D058499, MONDO:0019118, HP:0000556.
Leber congenital amaurosis 15 (LCA15). Identifiers: Orphanet 65, MedGen C3151206, MONDO:0013457, OMIM 613843.
TULP1-related disorder. Also called: TULP1-related condition; TULP1-related disorders.
Inborn genetic diseases. Identifiers: MedGen C0950123, MeSH D030342.

Allele frequency attached by ClinVar (database versions not stated): gnomAD 0.00006 and 0.00007; TOPMed 0.00008; gnomAD exomes 0.00010 and 0.00014; ESP Exome Variant Server 0.00023; ExAC 0.00027.
gnomAD v4.1: 215 of 1,593,980 alleles (0.013%); highest among the groups gnomAD compares: Non-Finnish European, 0.018%; no homozygotes.

Submissions (8):

Labcorp Genetics (formerly Invitae), Labcorp
Classification: Uncertain significance. Last evaluated: 2026-01-12. Review status: criteria provided, single submitter. Criteria: Invitae Variant Classification Sherloc (09022015). Collection method: clinical testing. Allele origin: germline.
Comment: This sequence change replaces lysine, which is basic and polar, with arginine, which is basic and polar, at codon 99 of the TULP1 protein (p.Lys99Arg). This variant is present in population databases (rs145518705, gnomAD 0.02%). This variant has not been reported in the literature in individuals affected with TULP1-related conditions. ClinVar contains an entry for this variant (Variation ID: 844244). Invitae Evidence Modeling of protein sequence and biophysical properties (such as structural, functional, and spatial information, amino acid conservation, physicochemical variation, residue mobility, and thermodynamic stability) has been performed for this missense variant. However, the output from this modeling did not meet the statistical confidence thresholds required to predict the impact of this variant on TULP1 protein function. In summary, the available evidence is currently insufficient to determine the role of this variant in disease. Therefore, it has been classified as a Variant of Uncertain Significance.

PreventionGenetics, part of Exact Sciences
Classification: Uncertain significance for TULP1-related condition. Last evaluated: 2025-12-29. Review status: criteria provided, single submitter. Criteria: ACMG Guidelines, 2015. Collection method: clinical testing. Allele origin: germline.
Comment: The TULP1 c.296A>G variant is predicted to result in the amino acid substitution p.Lys99Arg. To our knowledge, this variant has not been reported in the literature. This variant is reported in 0.021% of alleles in individuals of European (Non-Finnish) descent in gnomAD. At this time, the clinical significance of this variant is uncertain due to the absence of conclusive functional and genetic evidence.

Blueprint Genetics
Classification: Uncertain significance. Last evaluated: 2024-09-21. Review status: criteria provided, single submitter. Criteria: ACMG Guidelines, 2015. Collection method: clinical testing. Allele origin: germline.

Ambry Genetics
Classification: Uncertain significance for Inborn genetic diseases. Last evaluated: 2023-01-06. Review status: criteria provided, single submitter. Criteria: Ambry Variant Classification Scheme 2023. Collection method: clinical testing. Allele origin: germline.

CeGaT Center for Human Genetics Tuebingen
Classification: Uncertain significance. Last evaluated: 2019-07-01. Review status: criteria provided, single submitter. Criteria: CeGaT Center For Human Genetics Tuebingen Variant Classification Criteria Version 2. Collection method: clinical testing. Allele origin: germline. Affected: yes. Observed: 1 variant allele.

Illumina Laboratory Services, Illumina
Classification: Uncertain significance for Leber congenital amaurosis 15. Last evaluated: 2018-01-12. Review status: criteria provided, single submitter. Criteria: ICSL Variant Classification Criteria 13 December 2019. Collection method: clinical testing. Allele origin: germline.

Illumina Laboratory Services, Illumina
Classification: Uncertain significance for Retinitis pigmentosa. Last evaluated: 2018-01-12. Review status: criteria provided, single submitter. Criteria: ICSL Variant Classification Criteria 13 December 2019. Collection method: clinical testing. Allele origin: germline.

Institute of Human Genetics, Univ. Regensburg, Univ. Regensburg
Classification: Uncertain significance for Retinal dystrophy. Last evaluated: 2020-01-01. Review status: no assertion criteria provided. Criteria: ACMG Guidelines, 2015. Collection method: clinical testing. Allele origin: germline. Affected: yes. Not counted in ClinVar's aggregate classification.

NM_003322.6(TULP1):c.296A>G (p.Lys99Arg)

Gene: TULP1 (TUB like protein 1; minus strand). Cytogenetic location: 6p21.31.
Variant type: single nucleotide variant.
Coding change: c.296A>G on transcript NM_003322.6 (MANE Select); coding-DNA position 296, A replaced by G.
Protein change: p.Lys99Arg; replaces lysine 99 with arginine.
Molecular consequence: missense variant. On other transcripts: intron variant (1).
Genome position (GRCh38, 1-based): chr6:35,511,701, T>C on the plus strand (A>G on the coding strand, the complement: TULP1 is on the minus strand). VCF-style: chr6-35511701-T-C. GRCh37 (hg19) VCF-style: chr6-35479478-T-C.
Other names: c.190+479A>G (NM_001289395.2); c.296A>G (NM_003322.5); short protein forms K99R.
Identifiers: ClinVar variation 844244 (VCV000844244.55), dbSNP rs145518705, ClinGen allele CA3772971.